The following is an entry in ClinVar:

ClinVar aggregate classification (germline): Likely pathogenic. Review status: criteria provided, single submitter (1 of 4 stars). 2 submissions from 2 submitters: Likely pathogenic (1). 1 of the submissions does not count toward it. Last evaluated 2025-09-16.

Conditions:
Ectodermal dysplasia 10B, hypohidrotic/hair/tooth type, autosomal recessive. Also called: Ectodermal Dysplasia, Hypohidrotic, Autosomal Recessive; Ectodermal dysplasia 10B, hypohidrotic/hair/tooth type, autosomal. Identifiers: Orphanet 238468, Orphanet 248, MedGen C3887494, MONDO:0009147, OMIM 224900.
Ectodermal dysplasia. Also called: Ectodermal dysplasia syndrome. Identifiers: Orphanet 79373, MedGen C0013575, MONDO:0019287, HP:0000968.

Submissions (2):

Genetics Laboratory, Great Ormond Street Hospital NHS Foundation Trust, North Thames Genomic Laboratory Hub
Classification: Likely pathogenic for Ectodermal dysplasia. Last evaluated: 2025-09-16. Review status: criteria provided, single submitter. Criteria: ACGS Best Practice Guidelines for Variant Classification in Rare Disease 2024 v1.2. Collection method: clinical testing. Allele origin: germline. Affected: yes.
Comment: PM2_moderate, PP3_supporting, PM3_moderate, PP4_supporting

OMIM
Classification: Pathogenic for ECTODERMAL DYSPLASIA 10B, HYPOHIDROTIC/HAIR/TOOTH TYPE, AUTOSOMAL RECESSIVE. Last evaluated: 1999-08-01. Review status: no assertion criteria provided. Collection method: literature only. Allele origin: germline. Not counted in ClinVar's aggregate classification.

Literature cited by the submitters: PubMed 10431241 (cited by OMIM).

NM_022336.4(EDAR):c.52-25_52-8del

Genes: EDAR (ectodysplasin A receptor; minus strand), RANBP2 (RAN binding protein 2; plus strand). Cytogenetic location: 2q13.
Variant type: Deletion.
Coding change: c.52-25_52-8del on transcript NM_022336.4 (MANE Select); 25 bases into the intron before coding-DNA position 52 through 8 bases into the intron before coding-DNA position 52, 18 bases deleted (CCACAACACCCCCCTTTG).
Molecular consequence: intron variant.
Genome position (GRCh38, 1-based): chr2:108,930,250-108,930,267, CAAAGGGGGGTGTTGTGG deleted on the plus strand (CCACAACACCCCCCTTTG on the coding strand, the reverse complement: EDAR is on the minus strand); deleting any 18 consecutive bases within chr2:108,930,250-108,930,268 gives the same sequence; the c. name uses the placement nearest the transcript's 3' end. VCF-style (leftmost placement, unchanged base first): chr2-108930249-ACAAAGGGGGGTGTTGTGG-A. GRCh37 (hg19) VCF-style: chr2-109546705-ACAAAGGGGGGTGTTGTGG-A.
Identifiers: ClinVar variation 5848 (VCV000005848.2), dbSNP rs1558814967, ClinGen allele CA913184725.